The following is an entry in ClinVar:

NM_031407.7(HUWE1):c.12225C>G (p.Asn4075Lys)

Gene: HUWE1 (HECT, UBA and WWE domain containing E3 ubiquitin protein ligase 1; minus strand). Cytogenetic location: Xp11.22.
Variant type: single nucleotide variant.
Coding change: c.12225C>G on transcript NM_031407.7 (MANE Select); coding-DNA position 12225, C replaced by G.
Protein change: p.Asn4075Lys; replaces asparagine 4075 with lysine.
Molecular consequence: missense variant.
Genome position (GRCh38, 1-based): chrX:53,536,580, G>C on the plus strand (C>G on the coding strand, the complement: HUWE1 is on the minus strand). VCF-style: chrX-53536580-G-C. GRCh37 (hg19) VCF-style: chrX-53563541-G-C.
Other names: short protein forms N4075K.
Identifiers: ClinVar variation 375720 (VCV000375720.2), dbSNP rs1556913258, ClinGen allele CA413151198.

ClinVar aggregate classification (germline): Likely pathogenic (1 of 4 stars; one submission).

Conditions:
Intellectual developmental disorder, X-linked, syndromic, Turner type. Also called: Intellectual disability, X-linked syndromic, Turner type; X-linked intellectual disability, Turner type. Identifiers: Orphanet 3056, Orphanet 85328, MedGen C2678046, MONDO:0010407, OMIM 309590.

Submission:

Center for Medical Genetics and Molecular Medicine, Haukeland University Hospital
Classification: Likely pathogenic for Intellectual developmental disorder, X-linked, syndromic, Turner type. Last evaluated: 2017-01-18. Review status: criteria provided, single submitter. Criteria: ACMG Guidelines, 2015. Collection method: clinical testing. Allele origin: de novo. Inheritance: X-linked inheritance. Affected: no. Observed: 1 variant allele.
Comment: ACMG evidence: PS(1), PM(1), PP(2)